The following is an entry in ClinVar:

NM_001009999.3(KDM1A):c.487G>C (p.Glu163Gln)

Gene: KDM1A (lysine demethylase 1A; plus strand). Cytogenetic location: 1p36.12.
Variant type: single nucleotide variant.
Coding change: c.487G>C on transcript NM_001009999.3 (MANE Select); coding-DNA position 487, G replaced by C.
Protein change: p.Glu163Gln; replaces glutamic acid 163 with glutamine.
Molecular consequence: missense variant.
Genome position (GRCh38, 1-based): chr1:23,030,604, G>C. VCF-style: chr1-23030604-G-C. GRCh37 (hg19) VCF-style: chr1-23357097-G-C.
Other names: c.487G>C, p.Glu163Gln (NM_001363654.2, NM_001410762.1, NM_001410763.1 and 1 more transcripts); c.487G>C (NM_001009999.2); short protein forms E163Q.
Identifiers: ClinVar variation 1978634 (VCV001978634.5), dbSNP rs2522544689, ClinGen allele CA338957404.
Genomic context (GRCh38, chr1:23,030,604, plus strand): 5'-GCCAAAGCAGAGAAGGAAAAGAAGCTTCCCCCACCACCCCCTCAAGCCCCACCTGAGGAA[G>C]AAAATGAAAGTGAGCCTGAAGAACCATCGGGTGAGTTGTAGTATCCAACCACAGTTCTGT-3'
Protein context (NP_001009999.1, residues 153-173): PPPPQAPPEE[Glu163Gln]NESEPEEPSG

ClinVar aggregate classification (germline): Uncertain significance. Review status: criteria provided, multiple submitters, no conflicts (2 of 4 stars). 2 submissions from 2 submitters: Uncertain significance (2). Last evaluated 2025-05-24.

Conditions:
Inborn genetic diseases. Identifiers: MedGen C0950123, MeSH D030342.

Submissions (2):

Ambry Genetics
Classification: Uncertain significance for Inborn genetic diseases. Last evaluated: 2025-05-24. Review status: criteria provided, single submitter. Criteria: Ambry Variant Classification Scheme 2023. Collection method: clinical testing. Allele origin: germline.
Comment: The p.E163Q variant (also known as c.487G>C), located in coding exon 2 of the KDM1A gene, results from a G to C substitution at nucleotide position 487. The glutamic acid at codon 163 is replaced by glutamine, an amino acid with highly similar properties. This amino acid position is conserved. In addition, this alteration is predicted to be tolerated by in silico analysis. Based on the available evidence, the clinical significance of this variant remains unclear.

Labcorp Genetics (formerly Invitae), Labcorp
Classification: Uncertain significance. Last evaluated: 2022-03-27. Review status: criteria provided, single submitter. Criteria: Invitae Variant Classification Sherloc (09022015). Collection method: clinical testing. Allele origin: germline.
Comment: In summary, the available evidence is currently insufficient to determine the role of this variant in disease. Therefore, it has been classified as a Variant of Uncertain Significance. This sequence change replaces glutamic acid, which is acidic and polar, with glutamine, which is neutral and polar, at codon 163 of the KDM1A protein (p.Glu163Gln). This variant is not present in population databases (gnomAD no frequency). This variant has not been reported in the literature in individuals affected with KDM1A-related conditions. Algorithms developed to predict the effect of missense changes on protein structure and function (SIFT, PolyPhen-2, Align-GVGD) all suggest that this variant is likely to be tolerated.